The following is an entry in ClinVar:

ClinVar aggregate classification (germline): Uncertain significance (1 of 4 stars; one submission).

Conditions:
Charcot-Marie-Tooth disease type 2. Also called: Charcot-Marie-Tooth type 2. Identifiers: Orphanet 64746, MedGen C0270914, MONDO:0018993.

Allele frequency attached by ClinVar (database versions not stated): gnomAD exomes below 0.00001.
gnomAD v4.1: 1 of 1,614,160 alleles (0.000062%); highest among the groups gnomAD compares: Non-Finnish European, 0.000085%; no homozygotes.

Submission:

Labcorp Genetics (formerly Invitae), Labcorp
Classification: Uncertain significance for Charcot-Marie-Tooth disease type 2. Last evaluated: 2022-08-23. Review status: criteria provided, single submitter. Criteria: Invitae Variant Classification Sherloc (09022015). Collection method: clinical testing. Allele origin: germline.
Comment: This variant has not been reported in the literature in individuals affected with AARS-related conditions. In summary, the available evidence is currently insufficient to determine the role of this variant in disease. Therefore, it has been classified as a Variant of Uncertain Significance. Algorithms developed to predict the effect of missense changes on protein structure and function are either unavailable or do not agree on the potential impact of this missense change (SIFT: "Deleterious"; PolyPhen-2: "Probably Damaging"; Align-GVGD: "Class C0"). ClinVar contains an entry for this variant (Variation ID: 1024505). This variant is not present in population databases (gnomAD no frequency). This sequence change replaces tyrosine, which is neutral and polar, with histidine, which is basic and polar, at codon 134 of the AARS protein (p.Tyr134His).

NM_001605.3(AARS1):c.400T>C (p.Tyr134His)

Gene: AARS1 (alanyl-tRNA synthetase 1; minus strand). Cytogenetic location: 16q22.1.
Variant type: single nucleotide variant.
Coding change: c.400T>C on transcript NM_001605.3 (MANE Select); coding-DNA position 400, T replaced by C.
Protein change: p.Tyr134His; replaces tyrosine 134 with histidine.
Molecular consequence: missense variant.
Genome position (GRCh38, 1-based): chr16:70,276,565, A>G on the plus strand (T>C on the coding strand, the complement: AARS1 is on the minus strand). VCF-style: chr16-70276565-A-G. GRCh37 (hg19) VCF-style: chr16-70310468-A-G.
Other names: short protein forms Y134H.
Identifiers: ClinVar variation 1024505 (VCV001024505.7), dbSNP rs1960556610, ClinGen allele CA396568879.